The following is an entry in ClinVar:

NM_001034853.2(RPGR):c.2222A>G (p.Glu741Gly)

Gene: RPGR (retinitis pigmentosa GTPase regulator; minus strand). Cytogenetic location: Xp11.4.
Variant type: single nucleotide variant.
Coding change: c.2222A>G on transcript NM_001034853.2 (MANE Select); coding-DNA position 2222, A replaced by G.
Protein change: p.Glu741Gly; replaces glutamic acid 741 with glycine.
Molecular consequence: missense variant. On other transcripts: intron variant (8).
Genome position (GRCh38, 1-based): chrX:38,286,777, T>C on the plus strand (A>G on the coding strand, the complement: RPGR is on the minus strand). VCF-style: chrX-38286777-T-C. GRCh37 (hg19) VCF-style: chrX-38146030-T-C.
Other names: c.1569+4182A>G (NM_001367249.1, NM_001367250.1); c.1902+317A>G (NM_001367245.1); c.1386+4182A>G (NM_001367251.1); c.1719+317A>G (NM_001367246.1); c.1572+4182A>G (NM_001367247.1); c.1905+317A>G (NM_000328.3); c.1602+4182A>G (NM_001367248.1); short protein forms E741G.
Identifiers: ClinVar variation 4801005 (VCV004801005.1).
Genomic context (GRCh38, chrX:38,286,777, plus strand): 5'-CCTTCTCCTTCCTCTTTCCCTTCTCCCTCCTTCTCTTCTTCCTCTTCTCTGTCTCCCTCC[T>C]CTTCTTCTCCTTCTCCATGCTCCTCCTCCCCTCCCTCCTCCATCTCTTGGTTTCTTTCCT-3'
Protein context (NP_001030025.1, residues 731-751): GEEEHGEGEE[Glu741Gly]EGDREEEEEK

ClinVar aggregate classification (germline): Uncertain significance (1 of 4 stars; one submission).

Conditions:
Primary ciliary dyskinesia. Also called: Ciliary dyskinesia. Identifiers: Orphanet 244, MedGen C0008780, MONDO:0016575, HP:0012265.

Submission:

Labcorp Genetics (formerly Invitae), Labcorp
Classification: Uncertain significance for Primary ciliary dyskinesia. Last evaluated: 2025-09-03. Review status: criteria provided, single submitter. Criteria: Invitae Variant Classification Sherloc (09022015). Collection method: clinical testing. Allele origin: germline.
Comment: This sequence change replaces glutamic acid, which is acidic and polar, with glycine, which is neutral and non-polar, at codon 741 of the RPGR (ORF15) protein (p.Glu741Gly). This variant is not present in population databases (gnomAD no frequency). This variant has not been reported in the literature in individuals affected with RPGR (ORF15)-related conditions. Invitae Evidence Modeling of protein sequence and biophysical properties (such as structural, functional, and spatial information, amino acid conservation, physicochemical variation, residue mobility, and thermodynamic stability) indicates that this missense variant is not expected to disrupt RPGR (ORF15) protein function with a negative predictive value of 95%. In summary, the available evidence is currently insufficient to determine the role of this variant in disease. Therefore, it has been classified as a Variant of Uncertain Significance.